The following is an entry in ClinVar:

NM_006361.6(HOXB13):c.675G>A (p.Lys225=)

Gene: HOXB13 (homeobox B13; minus strand). Cytogenetic location: 17q21.32.
Variant type: single nucleotide variant.
Coding change: c.675G>A on transcript NM_006361.6 (MANE Select); coding-DNA position 675, G replaced by A.
Protein change: p.Lys225=; no amino-acid change (lysine 225 retained).
Molecular consequence: synonymous variant.
Genome position (GRCh38, 1-based): chr17:48,726,970, C>T on the plus strand (G>A on the coding strand, the complement: HOXB13 is on the minus strand). VCF-style: chr17-48726970-C-T. GRCh37 (hg19) VCF-style: chr17-46804332-C-T.
Identifiers: ClinVar variation 1125361 (VCV001125361.10), dbSNP rs2143067062, ClinGen allele CA500501021.

ClinVar aggregate classification (germline): Benign/Likely benign. Review status: criteria provided, multiple submitters, no conflicts (2 of 4 stars). 2 submissions from 2 submitters: Benign (1); Likely benign (1). Last evaluated 2024-10-30.

Conditions:
Prostate cancer, hereditary, 9 (HPC9). Identifiers: Orphanet 1331, MedGen C1970250, MONDO:0012597, OMIM 610997.

Submissions (2):

Myriad Genetics, Inc.
Classification: Benign for Prostate cancer, hereditary, 9. Last evaluated: 2024-10-30. Review status: criteria provided, single submitter. Criteria: Myriad Autosomal Dominant, Autosomal Recessive and X-Linked Classification Criteria (2023). Collection method: clinical testing. Allele origin: unknown.
Comment: This variant is considered benign. This variant is a silent/synonymous amino acid change and it is not expected to impact splicing.

Labcorp Genetics (formerly Invitae), Labcorp
Classification: Likely benign. Last evaluated: 2024-01-09. Review status: criteria provided, single submitter. Criteria: Invitae Variant Classification Sherloc (09022015). Collection method: clinical testing. Allele origin: germline.